The following is an entry in ClinVar:

ClinVar aggregate classification (germline): Pathogenic (1 of 4 stars; one submission).

Submission:

Labcorp Genetics (formerly Invitae), Labcorp
Classification: Pathogenic. Last evaluated: 2022-07-23. Review status: criteria provided, single submitter. Criteria: Invitae Variant Classification Sherloc (09022015). Collection method: clinical testing. Allele origin: germline.
Comment: For these reasons, this variant has been classified as Pathogenic. Algorithms developed to predict the effect of sequence changes on RNA splicing suggest that this variant may disrupt the consensus splice site. This variant has not been reported in the literature in individuals affected with CENPJ-related conditions. This variant is not present in population databases (gnomAD no frequency). This sequence change creates a premature translational stop signal (p.Asn1080Glufs*4) in the CENPJ gene. It is expected to result in an absent or disrupted protein product. Loss-of-function variants in CENPJ are known to be pathogenic (PMID: 15793586, 16900296, 20522431).

Literature cited by the submitters: PubMed 15793586; PubMed 16900296; PubMed 20522431.

NM_018451.5(CPAP):c.3237_3255del (p.Asn1080fs)

Gene: CPAP (centrosome assembly and centriole elongation protein; minus strand). Cytogenetic location: 13q12.12.
Variant type: Deletion.
Coding change: c.3237_3255del on transcript NM_018451.5 (MANE Select); coding-DNA positions 3237 to 3255, 19 bases deleted (AAACAGTCAGATTTCTTCA).
Protein change: p.Asn1080fs; shifts the reading frame from asparagine 1080.
Molecular consequence: frameshift variant. On other transcripts: non-coding transcript variant (1).
Genome position (GRCh38, 1-based): chr13:24,889,362-24,889,380, TGAAGAAATCTGACTGTTT deleted on the plus strand (AAACAGTCAGATTTCTTCA on the coding strand, the reverse complement: CPAP is on the minus strand); deleting any 19 consecutive bases within chr13:24,889,362-24,889,384 gives the same sequence; the c. name uses the placement nearest the transcript's 3' end. VCF-style (leftmost placement, unchanged base first): chr13-24889361-CTGAAGAAATCTGACTGTTT-C. GRCh37 (hg19) VCF-style: chr13-25463499-CTGAAGAAATCTGACTGTTT-C.
Other names: short protein forms N1080fs.
Identifiers: ClinVar variation 2005320 (VCV002005320.4), dbSNP rs2138557145, ClinGen allele CA2580086834.